The following is an entry in ClinVar:

NM_003482.4(KMT2D):c.1269G>A (p.Gly423=)

Gene: KMT2D (lysine methyltransferase 2D; minus strand). Cytogenetic location: 12q13.12.
Variant type: single nucleotide variant.
Coding change: c.1269G>A on transcript NM_003482.4 (MANE Select); coding-DNA position 1269, G replaced by A.
Protein change: p.Gly423=; no amino-acid change (glycine 423 retained).
Molecular consequence: synonymous variant.
Genome position (GRCh38, 1-based): chr12:49,052,414, C>T on the plus strand (G>A on the coding strand, the complement: KMT2D is on the minus strand). VCF-style: chr12-49052414-C-T. GRCh37 (hg19) VCF-style: chr12-49446197-C-T.
Identifiers: ClinVar variation 3057452 (VCV003057452.2), dbSNP rs1484496560, ClinGen allele CA479514902.
Genomic context (GRCh38, chr12:49,052,414, plus strand): 5'-TGGGGGCAGCAGTGGCATCTCCTCGTTTAGGGGGGCCTCCAACTGGGGCTCAAGTTGGAC[C>T]CCTGCTTTCCCTGCAGACACAACAACACGATGCTCCTATCTAGCTCAGATCTACTCCACA-3'
Protein context (NP_003473.3, residues 413-433): QCEAKPLGKA[Gly423=]VQLEPQLEAP

ClinVar aggregate classification (germline): Likely benign (0 of 4 stars; one submission).

Conditions:
KMT2D-related disorder. Also called: KMT2D-Related Disorders.

Submission:

PreventionGenetics, part of Exact Sciences
Classification: Likely benign for KMT2D-related condition. Last evaluated: 2021-08-23. Review status: no assertion criteria provided. Collection method: clinical testing. Allele origin: germline.
Comment: This variant is classified as likely benign based on ACMG/AMP sequence variant interpretation guidelines (Richards et al. 2015 PMID: 25741868, with internal and published modifications).